The following is an entry in ClinVar:

NM_002180.3(IGHMBP2):c.729del (p.Ser244fs)

Gene: IGHMBP2 (immunoglobulin mu DNA binding protein 2; plus strand). Cytogenetic location: 11q13.3.
Variant type: Deletion.
Coding change: c.729del on transcript NM_002180.3 (MANE Select); coding-DNA position 729, one base deleted (C; older notation c.729delC).
Protein change: p.Ser244fs; shifts the reading frame from serine 244.
Molecular consequence: frameshift variant.
Genome position (GRCh38, 1-based): chr11:68,914,840, C deleted; the last of 5 consecutive C bases (chr11:68,914,836-68,914,840); deleting any one gives the same sequence. VCF-style (leftmost placement, unchanged base first): chr11-68914835-GC-G. GRCh37 (hg19) VCF-style: chr11-68682303-GC-G.
Other names: short protein forms S244fs.
Identifiers: ClinVar variation 666974 (VCV000666974.4), dbSNP rs1594427410, ClinGen allele CA915948800.

ClinVar aggregate classification (germline): Likely pathogenic (1 of 4 stars; one submission).

Conditions:
Autosomal recessive distal spinal muscular atrophy 1. Also called: NEURONOPATHY, DISTAL HEREDITARY MOTOR, HARDING TYPE VI; NEUROPATHY, DISTAL HEREDITARY MOTOR, AUTOSOMAL RECESSIVE 1; SEVERE INFANTILE AXONAL NEUROPATHY WITH RESPIRATORY FAILURE; SPINAL MUSCULAR ATROPHY, DIAPHRAGMATIC; HMN VI; NEURONOPATHY, SEVERE INFANTILE AXONAL, WITH RESPIRATORY FAILURE. Identifiers: Orphanet 98920, MedGen C1858517, MONDO:0011436, OMIM 604320.

Submission:

Laboratory for Molecular Medicine, Mass General Brigham Personalized Medicine
Classification: Likely pathogenic for Autosomal recessive distal spinal muscular atrophy 1. Last evaluated: 2018-10-26. Review status: criteria provided, single submitter. Criteria: LMM Criteria. Collection method: clinical testing. Allele origin: germline. Inheritance: Autosomal recessive inheritance. Observed: 1 variant allele.
Comment: The p.Ser244ProfsX41 variant in IGHMBP2 has not been previously reported in indi viduals with Spinal muscular atrophy with respiratory distress type 1 (SMARD1) a nd was absent from large population studies. This variant is predicted to cause a frameshift, which alters the protein?s amino acid sequence beginning at positi on 244 and leads to a premature termination codon 41 amino acids downstream. Thi s alteration is then predicted to lead to a truncated or absent protein. Biallel ic loss of function of the IGHMBP2 gene is an established disease mechanism in S MARD1. In summary, although additional studies are required to fully establish i ts clinical significance, the p.Ser244ProfsX41 variant is likely pathogenic. ACM G/AMP Criteria applied: PVS1, PM2.